The following is an entry in ClinVar:

NM_003924.4(PHOX2B):c.199C>G (p.Leu67Val)

Genes: PHOX2B (paired like homeobox 2B; minus strand), PHOX2B-AS1 (PHOX2B antisense RNA 1; plus strand). Cytogenetic location: 4p13.
Variant type: single nucleotide variant.
Coding change: c.199C>G on transcript NM_003924.4 (MANE Select); coding-DNA position 199, C replaced by G.
Protein change: p.Leu67Val; replaces leucine 67 with valine.
Molecular consequence: missense variant. On other transcripts: non-coding transcript variant (1).
Genome position (GRCh38, 1-based): chr4:41,748,412, G>C on the plus strand (C>G on the coding strand, the complement: PHOX2B is on the minus strand). VCF-style: chr4-41748412-G-C. GRCh37 (hg19) VCF-style: chr4-41750429-G-C.
Other names: short protein forms L67V.
Identifiers: ClinVar variation 3888494 (VCV003888494.1).

ClinVar aggregate classification (germline): Uncertain significance (1 of 4 stars; one submission).

Conditions:
Hereditary cancer-predisposing syndrome. Also called: Tumor predisposition; Neoplastic Syndromes, Hereditary; Hereditary Cancer Syndrome; Hereditary neoplastic syndrome. Identifiers: Orphanet 140162, MedGen C0027672, MeSH D009386, MONDO:0015356.

Submission:

Ambry Genetics
Classification: Uncertain significance for Hereditary cancer-predisposing syndrome. Last evaluated: 2025-01-13. Review status: criteria provided, single submitter. Criteria: Ambry Variant Classification Scheme 2023. Collection method: clinical testing. Allele origin: germline.
Comment: The p.L67V variant (also known as c.199C>G), located in coding exon 1 of the PHOX2B gene, results from a C to G substitution at nucleotide position 199. The leucine at codon 67 is replaced by valine, an amino acid with highly similar properties. This amino acid position is conserved. In addition, the in silico prediction for this alteration is inconclusive. Based on the available evidence, the clinical significance of this variant remains unclear.